The following is an entry in ClinVar:

ClinVar aggregate classification (germline): Uncertain significance (1 of 4 stars; one submission).

Conditions:
Inborn genetic diseases. Identifiers: MedGen C0950123, MeSH D030342.

gnomAD v4.1: 1 of 1,613,786 alleles (0.000062%); highest among the groups gnomAD compares: Non-Finnish European, 0.000085%; no homozygotes.

Submission:

Ambry Genetics
Classification: Uncertain significance for Inborn genetic diseases. Last evaluated: 2025-04-18. Review status: criteria provided, single submitter. Criteria: Ambry Variant Classification Scheme 2023. Collection method: clinical testing. Allele origin: germline.
Comment: The p.K1475E variant (also known as c.4423A>G), located in coding exon 1 of the SAMD9 gene, results from an A to G substitution at nucleotide position 4423. The lysine at codon 1475 is replaced by glutamic acid, an amino acid with similar properties. This amino acid position is conserved. In addition, this alteration is predicted to be tolerated by in silico analysis. Based on the available evidence, the clinical significance of this variant remains unclear.

NM_017654.4(SAMD9):c.4423A>G (p.Lys1475Glu)

Gene: SAMD9 (sterile alpha motif domain containing 9; minus strand). Cytogenetic location: 7q21.2.
Variant type: single nucleotide variant.
Coding change: c.4423A>G on transcript NM_017654.4 (MANE Select); coding-DNA position 4423, A replaced by G.
Protein change: p.Lys1475Glu; replaces lysine 1475 with glutamic acid.
Molecular consequence: missense variant.
Genome position (GRCh38, 1-based): chr7:93,101,675, T>C on the plus strand (A>G on the coding strand, the complement: SAMD9 is on the minus strand). VCF-style: chr7-93101675-T-C. GRCh37 (hg19) VCF-style: chr7-92730988-T-C.
Other names: c.4423A>G, p.Lys1475Glu (NM_001193307.2); short protein forms K1475E.
Identifiers: ClinVar variation 3949567 (VCV003949567.1).